The following is an entry in ClinVar:

ClinVar aggregate classification (germline): Likely benign (1 of 4 stars; one submission).

Conditions:
Catecholaminergic polymorphic ventricular tachycardia (CVPT). Also called: Catecholamine-induced polymorphic ventricular tachycardia. Identifiers: Orphanet 3286, MedGen C5574922, MONDO:0017990.

Submission:

All of Us Research Program, National Institutes of Health
Classification: Likely benign for Catecholaminergic polymorphic ventricular tachycardia. Last evaluated: 2023-04-28. Review status: criteria provided, single submitter. Criteria: ACMG Guidelines, 2015. Collection method: clinical testing. Allele origin: germline. Inheritance: Autosomal dominant inheritance. Observed: 1 variant allele, 1 heterozygote.
Comment: This study involves interpretation of variants in research participants for the purpose of population health screening. Participant phenotype was not available at the time of variant classification. Additional details can be found in publication PMID: 35346344, PMCID: PMC8962531

NM_001035.3(RYR2):c.1716G>A (p.Leu572=)

Gene: RYR2 (ryanodine receptor 2; plus strand). Cytogenetic location: 1q43.
Variant type: single nucleotide variant.
Coding change: c.1716G>A on transcript NM_001035.3 (MANE Select); coding-DNA position 1716, G replaced by A.
Protein change: p.Leu572=; no amino-acid change (leucine 572 retained).
Molecular consequence: synonymous variant.
Genome position (GRCh38, 1-based): chr1:237,491,813, G>A. VCF-style: chr1-237491813-G-A. GRCh37 (hg19) VCF-style: chr1-237655113-G-A.
Identifiers: ClinVar variation 3070551 (VCV003070551.1), dbSNP rs2529112016, ClinGen allele CA423816782.